The following is an entry in ClinVar:

NM_033453.4(ITPA):c.304C>T (p.Gln102Ter)

Gene: ITPA (inosine triphosphatase; plus strand). Cytogenetic location: 20p13.
Variant type: single nucleotide variant.
Coding change: c.304C>T on transcript NM_033453.4 (MANE Select); coding-DNA position 304, C replaced by T.
Protein change: p.Gln102Ter; replaces glutamine 102 with a stop codon.
Molecular consequence: nonsense. On other transcripts: non-coding transcript variant (2), 5 prime UTR variant (4).
Genome position (GRCh38, 1-based): chr20:3,218,525, C>T. VCF-style: chr20-3218525-C-T. GRCh37 (hg19) VCF-style: chr20-3199171-C-T.
Other names: c.181C>T, p.Gln61Ter (NM_001267623.2); c.-34C>T (NM_001324236.2, NM_001324237.2, NM_001324238.2 and 1 more transcripts); c.304C>T, p.Gln102Ter (NM_001324240.2); c.253C>T, p.Gln85Ter (NM_181493.4); short protein forms Q102*, Q61*, Q85*.
Identifiers: ClinVar variation 464831 (VCV000464831.7), dbSNP rs1227149616, ClinGen allele CA408079800.

ClinVar aggregate classification (germline): Pathogenic (1 of 4 stars; one submission).

Conditions:
Inosine triphosphatase deficiency. Also called: INOSINE TRIPHOSPHATE PYROPHOSPHOHYDROLASE DEFICIENCY. Identifiers: MedGen C0342800, MONDO:0013461, OMIM 613850.

Allele frequency attached by ClinVar (database versions not stated): gnomAD exomes below 0.00001.

Submission:

Labcorp Genetics (formerly Invitae), Labcorp
Classification: Pathogenic for Inosine triphosphatase deficiency. Last evaluated: 2022-05-05. Review status: criteria provided, single submitter. Criteria: Invitae Variant Classification Sherloc (09022015). Collection method: clinical testing. Allele origin: germline.
Comment: This variant is present in population databases (no rsID available, gnomAD 0.007%). For these reasons, this variant has been classified as Pathogenic. ClinVar contains an entry for this variant (Variation ID: 464831). This variant has not been reported in the literature in individuals affected with ITPA-related conditions. This sequence change creates a premature translational stop signal (p.Gln102*) in the ITPA gene. It is expected to result in an absent or disrupted protein product. Loss-of-function variants in ITPA are known to be pathogenic (PMID: 26224535).

Literature cited by the submitters: PubMed 26224535.